The following is an entry in ClinVar:

ClinVar aggregate classification (germline): Conflicting classifications of pathogenicity. Review status: criteria provided, conflicting classifications (1 of 4 stars). 6 submissions from 6 submitters: Uncertain significance (4); Benign (1). 1 of the submissions does not count toward it. Last evaluated 2026-01-21.

Conditions:
Nemaline myopathy 2 (NEM2). Also called: Nemaline myopathy 2, autosomal recessive. Identifiers: MedGen C1850569, MONDO:0009725, OMIM 256030.

Allele frequency attached by ClinVar (database versions not stated): gnomAD 0.00005 and 0.00006; gnomAD exomes 0.00006 and 0.00019; TOPMed 0.00011; ExAC 0.00021.
gnomAD v4.1: 93 of 1,610,558 alleles (0.0058%); highest among the groups gnomAD compares: Middle Eastern, 0.049%; no homozygotes.

Submissions (6):

Labcorp Genetics (formerly Invitae), Labcorp
Classification: Benign for Nemaline myopathy 2. Last evaluated: 2026-01-21. Review status: criteria provided, single submitter. Criteria: Invitae Variant Classification Sherloc (09022015). Collection method: clinical testing. Allele origin: germline.

Blueprint Genetics
Classification: Uncertain significance. Last evaluated: 2024-09-24. Review status: criteria provided, single submitter. Criteria: ACMG Guidelines, 2015. Collection method: clinical testing. Allele origin: germline.

Women's Health and Genetics/Laboratory Corporation of America, LabCorp
Classification: Uncertain significance. Last evaluated: 2024-03-01. Review status: criteria provided, single submitter. Criteria: LabCorp Variant Classification Summary - May 2015. Collection method: clinical testing. Allele origin: germline.
Comment: Variant summary: NEB c.6119A>G (p.Tyr2040Cys) results in a non-conservative amino acid change in the encoded protein sequence. Three of five in-silico tools predict a damaging effect of the variant on protein function. The variant allele was found at a frequency of 0.00019 in 245370 control chromosomes in the gnomAD database, including 1 homozygotes. This frequency is not significantly higher than estimated for a pathogenic variant in NEB causing Nemaline Myopathy 2 (0.00019 vs 0.0035), allowing no conclusion about variant significance. To our knowledge, no occurrence of c.6119A>G in individuals affected with Nemaline Myopathy 2 and no experimental evidence demonstrating its impact on protein function have been reported. ClinVar contains an entry for this variant (Variation ID: 570192). Based on the evidence outlined above, the variant was classified as uncertain significance.

Revvity Omics, Revvity
Classification: Uncertain significance. Last evaluated: 2020-03-25. Review status: criteria provided, single submitter. Criteria: ACMG Guidelines, 2015. Collection method: clinical testing. Allele origin: germline.

Breakthrough Genomics
Classification: Uncertain significance. Review status: criteria provided, single submitter. Criteria: ACMG Guidelines, 2015. Collection method: not provided. Allele origin: germline. Inheritance: Autosomal recessive inheritance. Affected: yes.

Natera, Inc.
Classification: Uncertain significance for Nemaline myopathy type 2. Last evaluated: 2019-11-11. Review status: no assertion criteria provided. Collection method: clinical testing. Allele origin: germline. Not counted in ClinVar's aggregate classification.

NM_001164508.2(NEB):c.6119A>G (p.Tyr2040Cys)

Gene: NEB (nebulin; minus strand). Cytogenetic location: 2q23.3.
Variant type: single nucleotide variant.
Coding change: c.6119A>G on transcript NM_001164508.2 (MANE Select); coding-DNA position 6119, A replaced by G.
Protein change: p.Tyr2040Cys; replaces tyrosine 2040 with cysteine.
Molecular consequence: missense variant.
Genome position (GRCh38, 1-based): chr2:151,658,047, T>C on the plus strand (A>G on the coding strand, the complement: NEB is on the minus strand). VCF-style: chr2-151658047-T-C. GRCh37 (hg19) VCF-style: chr2-152514561-T-C.
Other names: c.6119A>G, p.Tyr2040Cys (NM_001164507.2, NM_001271208.2, NM_004543.5); short protein forms Y2040C.
Identifiers: ClinVar variation 570192 (VCV000570192.18), dbSNP rs756926807, ClinGen allele CA1910174.
Genomic context (GRCh38, chr2:151,658,047, plus strand): 5'-CTTGCAATATCTCTGGAAGCCTTGGCAGCTTTGATAGGAATTGCATCAGGTCTGAGATCA[T>C]AGCCTTTCTTTTTAGACTCTTCCAAGGAAAGTTTGTAGAGTTTCTGTAAAGAGAGGCAAA-3'
Protein context (NP_001157980.2, residues 2030-2050): LSLEESKKKG[Tyr2040Cys]DLRPDAIPIK